The following is an entry in ClinVar:

ClinVar aggregate classification (germline): Uncertain significance. Review status: criteria provided, multiple submitters, no conflicts (2 of 4 stars). 4 submissions from 4 submitters: Uncertain significance (3). 1 of the submissions does not count toward it. Last evaluated 2024-12-18.

Conditions:
Polycystic kidney disease, adult type (PKD1). Also called: POLYCYSTIC KIDNEY DISEASE 1 WITH OR WITHOUT POLYCYSTIC LIVER DISEASE; Polycystic Kidney Disease 1, Autosomal Dominant; Polycystic kidney disease 1; Polycystic kidney disease 1, severe; Polycystic Kidney, Autosomal Dominant; POLYCYSTIC KIDNEY DISEASE, ADULT, TYPE I. Identifiers: MedGen C3149841, MONDO:0008263, OMIM 173900.
PKD1-related disorder. Also called: PKD1-related condition.

Allele frequency attached by ClinVar (database versions not stated): gnomAD exomes 0.00005; ExAC 0.00007; gnomAD 0.00007; TOPMed 0.00008; 1000 Genomes Project 0.00020; 1000 Genomes Project 30x 0.00031.
gnomAD v4.1: 103 of 1,610,216 alleles (0.0064%); highest among the groups gnomAD compares: Middle Eastern, 0.023%; no homozygotes.

Submissions (4):

Victorian Clinical Genetics Services, Murdoch Childrens Research Institute
Classification: Uncertain significance for Polycystic kidney disease, adult type. Last evaluated: 2024-12-18. Review status: criteria provided, single submitter. Criteria: ACMG Guidelines, 2015. Collection method: clinical testing. Allele origin: germline. Affected: yes.
Comment: This variant is classified as VUS-3C. Evidence in support of pathogenic classification: Variant is present in gnomAD <0.001 for a dominant condition (v4: 103 heterozygote(s), 0 homozygote(s)). Additional information: Variant is predicted to result in a missense amino acid change from glutamic acid to lysine; This variant is heterozygous; This gene is associated with autosomal dominant disease. Polycystic kidney disease 1 (MIM#173900) is predominantly caused by monoallelic variants, with rare reports of biallelic variants causing disease (OMIM); An alternative amino acid change at the same position has been observed in gnomAD (v4: 1 heterozygote(s), 0 homozygote(s)); Previous evidence of pathogenicity for this variant is inconclusive. This variant has been classified as a VUS by several clinical laboratories in ClinVar, and was reported in the literature in three individuals from one family; No published functional evidence has been identified for this variant; No comparable missense variants have previous evidence for pathogenicity; Variant is located in the annotated REJ domain (DECIPHER) - Missense variant with conflicting in silico predictions and uninformative conservation; Loss of function is a known mechanism of disease in this gene and is associated with polycystic kidney disease 1 (MIM#173900); Inheritance information for this variant is not currently available in this individual.

Fulgent Genetics
Classification: Uncertain significance for Polycystic kidney disease, adult type. Last evaluated: 2021-12-16. Review status: criteria provided, single submitter. Criteria: ACMG Guidelines, 2015. Collection method: clinical testing. Allele origin: unknown.

GeneDx
Classification: Uncertain significance. Last evaluated: 2020-03-03. Review status: criteria provided, single submitter. Criteria: GeneDx Variant Classification Process June 2021. Collection method: clinical testing. Allele origin: germline. Affected: yes.
Comment: In silico analysis supports that this missense variant does not alter protein structure/function; Has not been previously published as pathogenic or benign to our knowledge

PreventionGenetics, part of Exact Sciences
Classification: Uncertain significance for PKD1-related condition. Last evaluated: 2024-09-22. Review status: no assertion criteria provided. Collection method: clinical testing. Allele origin: germline. Not counted in ClinVar's aggregate classification.
Comment: The PKD1 c.7567G>A variant is predicted to result in the amino acid substitution p.Glu2523Lys. This variant has been reported in individuals of a three-generation family with polycystic kidney disease (PKD); This variant is reported in 0.026% of alleles in individuals of African descent in gnomAD. At PreventionGenetics, this variant was reported in at least two unrelated individuals with polycystic kidney disease that had different explanations for disease (internal data). Although we suspect this variant to be benign, at this time, the clinical significance of this variant is uncertain due to the absence of conclusive functional and genetic evidence.

Literature cited by the submitters: PubMed 37901409 (cited by Victorian Clinical Genetics Services, Murdoch Childrens Research Institute).

NM_001009944.3(PKD1):c.7567G>A (p.Glu2523Lys)

Gene: PKD1 (polycystin 1, transient receptor potential channel interacting; minus strand). Cytogenetic location: 16p13.3.
Variant type: single nucleotide variant.
Coding change: c.7567G>A on transcript NM_001009944.3 (MANE Select); coding-DNA position 7567, G replaced by A.
Protein change: p.Glu2523Lys; replaces glutamic acid 2523 with lysine.
Molecular consequence: missense variant.
Genome position (GRCh38, 1-based): chr16:2,106,227, C>T on the plus strand (G>A on the coding strand, the complement: PKD1 is on the minus strand). VCF-style: chr16-2106227-C-T. GRCh37 (hg19) VCF-style: chr16-2156228-C-T.
Other names: c.7567G>A, p.Glu2523Lys (NM_000296.4); short protein forms E2523K.
Identifiers: ClinVar variation 1218490 (VCV001218490.7), dbSNP rs554493059, ClinGen allele CA7831030.
Genomic context (GRCh38, chr16:2,106,227, plus strand): 5'-AACCCGGGGGCAGCACGGCTCCGTAGCTGGAGAGGCTGCCCTTGTAGACACAGAACTCCT[C>T]GCAGTGGCCCTGGCGACAGCGCCGCAGCAGCAGGGCGTACACCAGCGGGGCGCCAGCATC-3'
Protein context (NP_001009944.3, residues 2513-2533): LLRRCRQGHC[Glu2523Lys]EFCVYKGSLS